The following is an entry in ClinVar:

ClinVar aggregate classification (germline): Uncertain significance (1 of 4 stars; one submission).

Submission:

Labcorp Genetics (formerly Invitae), Labcorp
Classification: Uncertain significance. Last evaluated: 2022-03-15. Review status: criteria provided, single submitter. Criteria: Invitae Variant Classification Sherloc (09022015). Collection method: clinical testing. Allele origin: germline.
Comment: This variant has not been reported in the literature in individuals affected with MNX1-related conditions. The frequency data for this variant in the population databases is considered unreliable, as metrics indicate insufficient coverage at this position in the gnomAD database. This sequence change replaces alanine, which is neutral and non-polar, with valine, which is neutral and non-polar, at codon 121 of the MNX1 protein (p.Ala121Val). Algorithms developed to predict the effect of missense changes on protein structure and function are either unavailable or do not agree on the potential impact of this missense change (SIFT: "Deleterious"; PolyPhen-2: "Not Available"; Align-GVGD: "Class C0"). In summary, the available evidence is currently insufficient to determine the role of this variant in disease. Therefore, it has been classified as a Variant of Uncertain Significance.

NM_005515.4(MNX1):c.362C>T (p.Ala121Val)

Gene: MNX1 (motor neuron and pancreas homeobox 1; minus strand). Cytogenetic location: 7q36.3.
Variant type: single nucleotide variant.
Coding change: c.362C>T on transcript NM_005515.4 (MANE Select); coding-DNA position 362, C replaced by T.
Protein change: p.Ala121Val; replaces alanine 121 with valine.
Molecular consequence: missense variant.
Genome position (GRCh38, 1-based): chr7:157,009,989, G>A on the plus strand (C>T on the coding strand, the complement: MNX1 is on the minus strand). VCF-style: chr7-157009989-G-A. GRCh37 (hg19) VCF-style: chr7-156802683-G-A.
Other names: short protein forms A121V.
Identifiers: ClinVar variation 2088500 (VCV002088500.4), dbSNP rs1805682005, ClinGen allele CA370164708.